The following is an entry in ClinVar:

ClinVar aggregate classification (germline): Uncertain significance. Review status: criteria provided, multiple submitters, no conflicts (2 of 4 stars). 2 submissions from 2 submitters: Uncertain significance (2). Last evaluated 2026-06-12.

Conditions:
Loeys-Dietz syndrome 2 (LDS2). Also called: AORTIC ANEURYSM, FAMILIAL THORACIC 3; MARFAN SYNDROME, TYPE II; TGFBR2-Related Loeys-Dietz Syndrome; Marfan syndrome, type 2 (formerly); Marfan Syndrome type 2; Marfan like connective tissue disorder. Identifiers: Orphanet 284973, Orphanet 558, MedGen C2674574, MONDO:0012427, OMIM 610168.

Submissions (2):

Ambry Genetics
Classification: Uncertain significance. Last evaluated: 2026-06-12. Review status: criteria provided, single submitter. Criteria: Ambry Variant Classification Scheme 2023. Collection method: clinical testing. Allele origin: germline.
Comment: The p.S523Y variant (also known as c.1568C>A), located in coding exon 4 of the TMPO gene, results from a C to A substitution at nucleotide position 1568. The serine at codon 523 is replaced by tyrosine, an amino acid with dissimilar properties. This amino acid position is conserved. In addition, the in silico prediction for this alteration is inconclusive. Based on the available evidence, the clinical significance of this variant remains unclear.

Labcorp Genetics (formerly Invitae), Labcorp
Classification: Uncertain significance for Loeys-Dietz syndrome 2. Last evaluated: 2024-09-04. Review status: criteria provided, single submitter. Criteria: Invitae Variant Classification Sherloc (09022015). Collection method: clinical testing. Allele origin: germline.
Comment: This sequence change replaces serine, which is neutral and polar, with tyrosine, which is neutral and polar, at codon 523 of the TMPO protein (p.Ser523Tyr). This variant is not present in population databases (gnomAD no frequency). This variant has not been reported in the literature in individuals affected with TMPO-related conditions. Invitae Evidence Modeling of protein sequence and biophysical properties (such as structural, functional, and spatial information, amino acid conservation, physicochemical variation, residue mobility, and thermodynamic stability) indicates that this missense variant is not expected to disrupt TMPO protein function with a negative predictive value of 80%. In summary, the available evidence is currently insufficient to determine the role of this variant in disease. Therefore, it has been classified as a Variant of Uncertain Significance.

NM_001032283.3(TMPO):c.565+1987C>A

Gene: TMPO (thymopoietin; plus strand). Cytogenetic location: 12q23.1.
Variant type: single nucleotide variant.
Coding change: c.565+1987C>A on transcript NM_001032283.3 (MANE Select); 1987 bases into the intron after coding-DNA position 565, C replaced by A.
Molecular consequence: intron variant. On other transcripts: missense variant (1).
Genome position (GRCh38, 1-based): chr12:98,533,825, C>A. VCF-style: chr12-98533825-C-A. GRCh37 (hg19) VCF-style: chr12-98927603-C-A.
Other names: c.1568C>A, p.Ser523Tyr (NM_003276.2); c.565+1987C>A (NM_001307975.2, NM_001032284.3); short protein forms S523Y.
Identifiers: ClinVar variation 3681481 (VCV003681481.3).